The following is an entry in ClinVar:

NM_004279.3(PMPCB):c.-7A>G

Genes: PMPCB (peptidase, mitochondrial processing subunit beta; plus strand), LOC129999056 (ATAC-STARR-seq lymphoblastoid active region 26441; plus strand). Cytogenetic location: 7q22.1.
Variant type: single nucleotide variant.
Coding change: c.-7A>G on transcript NM_004279.3 (MANE Select); 7 bases upstream of the start codon, A replaced by G.
Molecular consequence: 5 prime UTR variant.
Genome position (GRCh38, 1-based): chr7:103,297,453, A>G. VCF-style: chr7-103297453-A-G. GRCh37 (hg19) VCF-style: chr7-102937900-A-G.
Identifiers: ClinVar variation 3049888 (VCV003049888.2), dbSNP rs537723931, ClinGen allele CA4417764.

ClinVar aggregate classification (germline): Likely benign (0 of 4 stars; one submission).

Conditions:
PMPCB-related disorder. Also called: PMPCB-related condition.

Allele frequency attached by ClinVar (database versions not stated): gnomAD 0.00005; TOPMed 0.00011; ExAC 0.00015; 1000 Genomes Project 30x 0.00031; 1000 Genomes Project 0.00040.
gnomAD v4.1: 91 of 1,543,598 alleles (0.0059%); highest among the groups gnomAD compares: East Asian, 0.2%; no homozygotes.

Submission:

PreventionGenetics, part of Exact Sciences
Classification: Likely benign for PMPCB-related condition. Last evaluated: 2020-04-20. Review status: no assertion criteria provided. Collection method: clinical testing. Allele origin: germline.
Comment: This variant is classified as likely benign based on ACMG/AMP sequence variant interpretation guidelines (Richards et al. 2015 PMID: 25741868, with internal and published modifications).